The following is an entry in ClinVar:

ClinVar aggregate classification (germline): Uncertain significance (1 of 4 stars; one submission).

Conditions:
Schimke immuno-osseous dysplasia (SIOD). Also called: Schimke Immunoosseous Dysplasia. Identifiers: Orphanet 1830, MedGen C0877024, MONDO:0009458, OMIM 242900.

Submission:

Labcorp Genetics (formerly Invitae), Labcorp
Classification: Uncertain significance for Schimke immuno-osseous dysplasia. Last evaluated: 2022-05-12. Review status: criteria provided, single submitter. Criteria: Invitae Variant Classification Sherloc (09022015). Collection method: clinical testing. Allele origin: germline.
Comment: This sequence change replaces arginine, which is basic and polar, with glycine, which is neutral and non-polar, at codon 754 of the SMARCAL1 protein (p.Arg754Gly). This variant is not present in population databases (gnomAD no frequency). This variant has not been reported in the literature in individuals affected with SMARCAL1-related conditions. Algorithms developed to predict the effect of missense changes on protein structure and function are either unavailable or do not agree on the potential impact of this missense change (SIFT: "Deleterious"; PolyPhen-2: "Probably Damaging"; Align-GVGD: "Class C0"). In summary, the available evidence is currently insufficient to determine the role of this variant in disease. Therefore, it has been classified as a Variant of Uncertain Significance.

NM_014140.4(SMARCAL1):c.2260C>G (p.Arg754Gly)

Gene: SMARCAL1 (SNF2 related chromatin remodeling annealing helicase 1; plus strand). Cytogenetic location: 2q35.
Variant type: single nucleotide variant.
Coding change: c.2260C>G on transcript NM_014140.4 (MANE Select); coding-DNA position 2260, C replaced by G.
Protein change: p.Arg754Gly; replaces arginine 754 with glycine.
Molecular consequence: missense variant.
Genome position (GRCh38, 1-based): chr2:216,475,284, C>G. VCF-style: chr2-216475284-C-G. GRCh37 (hg19) VCF-style: chr2-217340007-C-G.
Other names: c.2260C>G, p.Arg754Gly (NM_001127207.2); short protein forms R754G.
Identifiers: ClinVar variation 2201100 (VCV002201100.1), dbSNP rs1226816517, ClinGen allele CA350503916.
Genomic context (GRCh38, chr2:216,475,284, plus strand): 5'-CCCCGGGGCTGTTGCCCACCTTGCTTCTGCCCCTTGTTCCTGCAGCACGTGCAGCACATC[C>G]GCATCGATGGCTCCACCTCATCAGCTGAGCGGGAGGACCTGTGCCAGCAGTTCCAACTGT-3'
Protein context (NP_054859.2, residues 744-764): ELERKHVQHI[Arg754Gly]IDGSTSSAER